The following is an entry in ClinVar:

ClinVar aggregate classification (germline): Uncertain significance (1 of 4 stars; one submission).

gnomAD v4.1: 5 of 1,614,020 alleles (0.00031%); highest among the groups gnomAD compares: Admixed American, 0.0017%; no homozygotes.

Submission:

Labcorp Genetics (formerly Invitae), Labcorp
Classification: Uncertain significance. Last evaluated: 2024-11-05. Review status: criteria provided, single submitter. Criteria: Invitae Variant Classification Sherloc (09022015). Collection method: clinical testing. Allele origin: germline.
Comment: This sequence change replaces alanine, which is neutral and non-polar, with serine, which is neutral and polar, at codon 1607 of the POLR1A protein (p.Ala1607Ser). This variant is present in population databases (rs201345115, gnomAD 0.007%). This variant has not been reported in the literature in individuals affected with POLR1A-related conditions. ClinVar contains an entry for this variant (Variation ID: 3016286). Invitae Evidence Modeling of protein sequence and biophysical properties (such as structural, functional, and spatial information, amino acid conservation, physicochemical variation, residue mobility, and thermodynamic stability) has been performed for this missense variant. However, the output from this modeling did not meet the statistical confidence thresholds required to predict the impact of this variant on POLR1A protein function. In summary, the available evidence is currently insufficient to determine the role of this variant in disease. Therefore, it has been classified as a Variant of Uncertain Significance.

NM_015425.6(POLR1A):c.4819G>T (p.Ala1607Ser)

Gene: POLR1A (RNA polymerase I subunit A; minus strand). Cytogenetic location: 2p11.2.
Variant type: single nucleotide variant.
Coding change: c.4819G>T on transcript NM_015425.6 (MANE Select); coding-DNA position 4819, G replaced by T.
Protein change: p.Ala1607Ser; replaces alanine 1607 with serine.
Molecular consequence: missense variant.
Genome position (GRCh38, 1-based): chr2:86,028,672, C>A on the plus strand (G>T on the coding strand, the complement: POLR1A is on the minus strand). VCF-style: chr2-86028672-C-A. GRCh37 (hg19) VCF-style: chr2-86255795-C-A.
Other names: short protein forms A1607S.
Identifiers: ClinVar variation 3016286 (VCV003016286.3), dbSNP rs201345115, ClinGen allele CA1745374.